The following is an entry in ClinVar:

ClinVar aggregate classification (germline): Uncertain significance (1 of 4 stars; one submission).

Allele frequency attached by ClinVar (database versions not stated): gnomAD exomes below 0.00001; ExAC 0.00001; gnomAD 0.00001; TOPMed 0.00002.
gnomAD v4.1: 2 of 1,614,070 alleles (0.00012%); highest among the groups gnomAD compares: African/African-American, 0.0013%; no homozygotes.

Submission:

Labcorp Genetics (formerly Invitae), Labcorp
Classification: Uncertain significance. Last evaluated: 2025-03-17. Review status: criteria provided, single submitter. Criteria: Invitae Variant Classification Sherloc (09022015). Collection method: clinical testing. Allele origin: germline.
Comment: This sequence change replaces arginine, which is basic and polar, with serine, which is neutral and polar, at codon 977 of the CNGB1 protein (p.Arg977Ser). This variant is present in population databases (rs755445621, gnomAD 0.008%). This variant has not been reported in the literature in individuals affected with CNGB1-related conditions. ClinVar contains an entry for this variant (Variation ID: 1369215). Invitae Evidence Modeling of protein sequence and biophysical properties (such as structural, functional, and spatial information, amino acid conservation, physicochemical variation, residue mobility, and thermodynamic stability) indicates that this missense variant is not expected to disrupt CNGB1 protein function with a negative predictive value of 80%. In summary, the available evidence is currently insufficient to determine the role of this variant in disease. Therefore, it has been classified as a Variant of Uncertain Significance.

NM_001297.5(CNGB1):c.2931G>C (p.Arg977Ser)

Gene: CNGB1 (cyclic nucleotide gated channel subunit beta 1; minus strand). Cytogenetic location: 16q21.
Variant type: single nucleotide variant.
Coding change: c.2931G>C on transcript NM_001297.5 (MANE Select); coding-DNA position 2931, G replaced by C.
Protein change: p.Arg977Ser; replaces arginine 977 with serine.
Molecular consequence: missense variant.
Genome position (GRCh38, 1-based): chr16:57,901,397, C>G on the plus strand (G>C on the coding strand, the complement: CNGB1 is on the minus strand). VCF-style: chr16-57901397-C-G. GRCh37 (hg19) VCF-style: chr16-57935301-C-G.
Other names: c.2913G>C, p.Arg971Ser (NM_001286130.2); short protein forms R971S, R977S.
Identifiers: ClinVar variation 1369215 (VCV001369215.7), dbSNP rs755445621, ClinGen allele CA8082759.